The following is an entry in ClinVar:

ClinVar aggregate classification (germline): Uncertain significance (1 of 4 stars; one submission).

Submission:

GeneDx
Classification: Uncertain significance. Last evaluated: 2026-07-29. Review status: criteria provided, single submitter. Criteria: GeneDx Variant Classification Process June 2021. Collection method: clinical testing. Allele origin: germline.
Comment: Not observed at significant frequency in large population cohorts (gnomAD); In silico analysis supports that this missense variant has a deleterious effect on protein structure/function; Has not been previously published as pathogenic or benign to our knowledge

NM_170675.5(MEIS2):c.334G>A (p.Asp112Asn)

Gene: MEIS2 (Meis homeobox 2; minus strand). Cytogenetic location: 15q14.
Variant type: single nucleotide variant.
Coding change: c.334G>A on transcript NM_170675.5 (MANE Select); coding-DNA position 334, G replaced by A.
Protein change: p.Asp112Asn; replaces aspartic acid 112 with asparagine.
Molecular consequence: missense variant. On other transcripts: non-coding transcript variant (1).
Genome position (GRCh38, 1-based): chr15:37,096,342, C>T on the plus strand (G>A on the coding strand, the complement: MEIS2 is on the minus strand). VCF-style: chr15-37096342-C-T. GRCh37 (hg19) VCF-style: chr15-37388543-C-T.
Other names: c.334G>A, p.Asp112Asn (NM_001220482.2, NM_170674.5, NM_170676.5 and 1 more transcripts); c.295G>A, p.Asp99Asn (NM_002399.4, NM_172315.3); c.70G>A, p.Asp24Asn (NM_172316.3); short protein forms D112N, D24N, D99N.
Identifiers: ClinVar variation 3360498 (VCV003360498.2).